The following is an entry in ClinVar:

NM_001904.4(CTNNB1):c.292A>G (p.Met98Val)

Genes: CTNNB1 (catenin beta 1; plus strand), LOC126806658 (BRD4-independent group 4 enhancer GRCh37_chr3:41265899-41267098; plus strand). Cytogenetic location: 3p22.1.
Variant type: single nucleotide variant.
Coding change: c.292A>G on transcript NM_001904.4 (MANE Select); coding-DNA position 292, A replaced by G.
Protein change: p.Met98Val; replaces methionine 98 with valine.
Molecular consequence: missense variant.
Genome position (GRCh38, 1-based): chr3:41,225,004, A>G. VCF-style: chr3-41225004-A-G. GRCh37 (hg19) VCF-style: chr3-41266495-A-G.
Other names: c.292A>G, p.Met98Val (NM_001098209.2, NM_001098210.2); c.271A>G, p.Met91Val (NM_001330729.2); short protein forms M91V, M98V.
Identifiers: ClinVar variation 3696201 (VCV003696201.2).
Genomic context (GRCh38, chr3:41,225,004, plus strand): 5'-CCTTTTCCAGATATTGATGGACAGTATGCAATGACTCGAGCTCAGAGGGTACGAGCTGCT[A>G]TGTTCCCTGAGACATTAGATGAGGGCATGCAGATCCCATCTACACAGTTTGATGCTGCTC-3'
Protein context (NP_001895.1, residues 88-108): MTRAQRVRAA[Met98Val]FPETLDEGMQ

ClinVar aggregate classification (germline): Uncertain significance (1 of 4 stars; one submission).

gnomAD v4.1: 8 of 1,613,924 alleles (0.0005%); highest among the groups gnomAD compares: South Asian, 0.0011%; no homozygotes.

Submission:

Labcorp Genetics (formerly Invitae), Labcorp
Classification: Uncertain significance. Last evaluated: 2024-04-18. Review status: criteria provided, single submitter. Criteria: Invitae Variant Classification Sherloc (09022015). Collection method: clinical testing. Allele origin: germline.
Comment: This sequence change replaces methionine, which is neutral and non-polar, with valine, which is neutral and non-polar, at codon 98 of the CTNNB1 protein (p.Met98Val). This variant is present in population databases (rs760527240, gnomAD 0.003%). This variant has not been reported in the literature in individuals affected with CTNNB1-related conditions. Advanced modeling of protein sequence and biophysical properties (such as structural, functional, and spatial information, amino acid conservation, physicochemical variation, residue mobility, and thermodynamic stability) performed at Invitae indicates that this missense variant is expected to disrupt CTNNB1 protein function with a positive predictive value of 80%. In summary, the available evidence is currently insufficient to determine the role of this variant in disease. Therefore, it has been classified as a Variant of Uncertain Significance.